The following is an entry in ClinVar:

NM_001099922.3(ALG13):c.758G>A (p.Cys253Tyr)

Gene: ALG13 (ALG13 UDP-N-acetylglucosaminyltransferase subunit; plus strand). Cytogenetic location: Xq23.
Variant type: single nucleotide variant.
Coding change: c.758G>A on transcript NM_001099922.3 (MANE Select); coding-DNA position 758, G replaced by A.
Protein change: p.Cys253Tyr; replaces cysteine 253 with tyrosine.
Molecular consequence: missense variant. On other transcripts: non-coding transcript variant (1).
Genome position (GRCh38, 1-based): chrX:111,708,972, G>A. VCF-style: chrX-111708972-G-A. GRCh37 (hg19) VCF-style: chrX-110952200-G-A.
Other names: c.446G>A, p.Cys149Tyr (NM_001257230.2, NM_001257234.2, NM_001257237.2 and 1 more transcripts); c.524G>A, p.Cys175Tyr (NM_001257231.2); c.758G>A, p.Cys253Tyr (NM_001324292.2); short protein forms C253Y, C149Y, C175Y.
Identifiers: ClinVar variation 3644785 (VCV003644785.2).

ClinVar aggregate classification (germline): Uncertain significance (1 of 4 stars; one submission).

Conditions:
Developmental and epileptic encephalopathy, 36 (DEE36). Also called: Congenital disorder of glycosylation, type Is; Epileptic encephalopathy, early infantile, 36; ALG13-CDG. Identifiers: Orphanet 324422, MedGen C4317295, MONDO:0010472, OMIM 300884.

gnomAD v4.1: 1 of 1,178,400 alleles (0.000085%); highest among the groups gnomAD compares: Non-Finnish European, 0.00011%; no homozygotes.

Submission:

Labcorp Genetics (formerly Invitae), Labcorp
Classification: Uncertain significance for Developmental and epileptic encephalopathy, 36. Last evaluated: 2024-03-15. Review status: criteria provided, single submitter. Criteria: Invitae Variant Classification Sherloc (09022015). Collection method: clinical testing. Allele origin: germline.
Comment: This sequence change replaces cysteine, which is neutral and slightly polar, with tyrosine, which is neutral and polar, at codon 253 of the ALG13 protein (p.Cys253Tyr). This variant is not present in population databases (gnomAD no frequency). This variant has not been reported in the literature in individuals affected with ALG13-related conditions. Advanced modeling of protein sequence and biophysical properties (such as structural, functional, and spatial information, amino acid conservation, physicochemical variation, residue mobility, and thermodynamic stability) performed at Invitae indicates that this missense variant is not expected to disrupt ALG13 protein function with a negative predictive value of 80%. In summary, the available evidence is currently insufficient to determine the role of this variant in disease. Therefore, it has been classified as a Variant of Uncertain Significance.